The following is an entry in ClinVar:

ClinVar aggregate classification (germline): Benign/Likely benign. Review status: criteria provided, multiple submitters, no conflicts (2 of 4 stars). 7 submissions from 7 submitters: Benign (5); Likely benign (1). 1 of the submissions does not count toward it. Last evaluated 2026-01-28.

Conditions:
DOCK8-related disorder. Also called: DOCK8-related condition.
Combined immunodeficiency due to DOCK8 deficiency (HIES2). Also called: HIES autosomal recessive; HYPER-IgE RECURRENT INFECTION SYNDROME 2, AUTOSOMAL RECESSIVE; Hyper-IgE recurrent infection syndrome, autosomal recessive; HYPER-IgE SYNDROME 2, AUTOSOMAL RECESSIVE, WITH RECURRENT INFECTIONS; DOCK8 Deficiency. Identifiers: Orphanet 217390, MedGen C4722305, MONDO:0009478, OMIM 243700.

Allele frequency attached by ClinVar (database versions not stated): ESP Exome Variant Server 0.00015; gnomAD exomes 0.00056 and 0.00191; gnomAD 0.00068 and 0.00096; TOPMed 0.00111; ExAC 0.00188; 1000 Genomes Project 30x 0.00578; 1000 Genomes Project 0.00659.
gnomAD v4.1: 999 of 1,614,224 alleles (0.062%); highest among the groups gnomAD compares: East Asian, 1.8%; 15 homozygotes.

Submissions (7):

Labcorp Genetics (formerly Invitae), Labcorp
Classification: Benign for Combined immunodeficiency due to DOCK8 deficiency. Last evaluated: 2026-01-28. Review status: criteria provided, single submitter. Criteria: Invitae Variant Classification Sherloc (09022015). Collection method: clinical testing. Allele origin: germline.

Women's Health and Genetics/Laboratory Corporation of America, LabCorp
Classification: Likely benign. Last evaluated: 2026-01-23. Review status: criteria provided, single submitter. Criteria: LabCorp Variant Classification Summary - May 2015. Collection method: clinical testing. Allele origin: germline.

Mayo Clinic Laboratories, Mayo Clinic
Classification: Benign. Last evaluated: 2025-08-13. Review status: criteria provided, single submitter. Criteria: ACMG Guidelines, 2015. Collection method: clinical testing. Allele origin: germline. Observed: 3 variant alleles.
Comment: BS1, BS2, BP4

Genetic Services Laboratory, University of Chicago
Classification: Benign. Last evaluated: 2021-03-19. Review status: criteria provided, single submitter. Criteria: ACMG Guidelines, 2015. Collection method: clinical testing. Allele origin: germline. Affected: no.

Illumina Laboratory Services, Illumina
Classification: Benign for Combined immunodeficiency due to DOCK8 deficiency. Last evaluated: 2018-01-12. Review status: criteria provided, single submitter. Criteria: ICSL Variant Classification Criteria 13 December 2019. Collection method: clinical testing. Allele origin: germline.
Comment: This variant was observed in the ICSL laboratory as part of a predisposition screen in an ostensibly healthy population. It had not been previously curated by ICSL or reported in the Human Gene Mutation Database (HGMD: prior to June 1st, 2018), and was therefore a candidate for classification through an automated scoring system. Utilizing variant allele frequency, disease prevalence and penetrance estimates, and inheritance mode, an automated score was calculated to assess if this variant is too frequent to cause the disease. Based on the score and internal cut-off values, a variant classified as benign is not then subjected to further curation. The score for this variant resulted in a classification of benign for this disease.

GeneDx
Classification: Benign. Last evaluated: 2017-11-27. Review status: criteria provided, single submitter. Criteria: GeneDx Variant Classification (06012015). Collection method: clinical testing. Allele origin: germline. Affected: yes.
Comment: This variant is considered likely benign or benign based on one or more of the following criteria: it is a conservative change, it occurs at a poorly conserved position in the protein, it is predicted to be benign by multiple in silico algorithms, and/or has population frequency not consistent with disease.

PreventionGenetics, part of Exact Sciences
Classification: Benign for DOCK8-related condition. Last evaluated: 2019-05-02. Review status: no assertion criteria provided. Collection method: clinical testing. Allele origin: germline. Not counted in ClinVar's aggregate classification.
Comment: This variant is classified as benign based on ACMG/AMP sequence variant interpretation guidelines (Richards et al. 2015 PMID: 25741868, with internal and published modifications).

NM_203447.4(DOCK8):c.679G>A (p.Glu227Lys)

Gene: DOCK8 (dedicator of cytokinesis 8; plus strand). Cytogenetic location: 9p24.3.
Variant type: single nucleotide variant.
Coding change: c.679G>A on transcript NM_203447.4 (MANE Select); coding-DNA position 679, G replaced by A.
Protein change: p.Glu227Lys; replaces glutamic acid 227 with lysine.
Molecular consequence: missense variant.
Genome position (GRCh38, 1-based): chr9:312,104, G>A. VCF-style: chr9-312104-G-A. GRCh37 (hg19) VCF-style: chr9-312104-G-A.
Other names: p.Glu227Lys; c.475G>A, p.Glu159Lys (NM_001190458.2, NM_001193536.2); short protein forms E227K, E159K.
Identifiers: ClinVar variation 516569 (VCV000516569.22), dbSNP rs76276364, ClinGen allele CA4957363.
Genomic context (GRCh38, chr9:312,104, plus strand): 5'-GACAAGCGGCTAGAAAACCTCCTGCAGCAAGTGAGTGCCGAGGACTTTGAGAAGCAGAAC[G>A]AGGAGGCCCGGAGGACCAATAGGCAGGCCGAGCTCTTTGCCCTTTACCCATCAGTGGACG-3'
Protein context (NP_982272.2, residues 217-237): VSAEDFEKQN[Glu227Lys]EARRTNRQAE